The following is an entry in ClinVar:

ClinVar aggregate classification (germline): Uncertain significance (1 of 4 stars; one submission).

Allele frequency attached by ClinVar (database versions not stated): ExAC 0.00002; gnomAD exomes 0.00002.
gnomAD v4.1: 9 of 1,613,990 alleles (0.00056%); highest among the groups gnomAD compares: South Asian, 0.0033%; no homozygotes.

Submission:

Labcorp Genetics (formerly Invitae), Labcorp
Classification: Uncertain significance. Last evaluated: 2021-03-29. Review status: criteria provided, single submitter. Criteria: Invitae Variant Classification Sherloc (09022015). Collection method: clinical testing. Allele origin: germline.
Comment: This sequence change replaces arginine with glutamine at codon 182 of the CEP250 protein (p.Arg182Gln). The arginine residue is moderately conserved and there is a small physicochemical difference between arginine and glutamine. This variant is present in population databases (rs762645568, ExAC 0.01%). This variant has not been reported in the literature in individuals with CEP250-related conditions. Algorithms developed to predict the effect of missense changes on protein structure and function are either unavailable or do not agree on the potential impact of this missense change (SIFT: "Not Available"; PolyPhen-2: "Probably Damaging"; Align-GVGD: "Not Available"). In summary, the available evidence is currently insufficient to determine the role of this variant in disease. Therefore, it has been classified as a Variant of Uncertain Significance.

NM_007186.6(CEP250):c.545G>A (p.Arg182Gln)

Gene: CEP250 (centrosomal protein 250; plus strand). Cytogenetic location: 20q11.22.
Variant type: single nucleotide variant.
Coding change: c.545G>A on transcript NM_007186.6 (MANE Select); coding-DNA position 545, G replaced by A.
Protein change: p.Arg182Gln; replaces arginine 182 with glutamine.
Molecular consequence: missense variant. On other transcripts: 5 prime UTR variant (1).
Genome position (GRCh38, 1-based): chr20:35,467,018, G>A. VCF-style: chr20-35467018-G-A. GRCh37 (hg19) VCF-style: chr20-34054843-G-A.
Other names: c.-1355G>A (NM_001318219.1); short protein forms R182Q.
Identifiers: ClinVar variation 1519195 (VCV001519195.6), dbSNP rs762645568, ClinGen allele CA9832638.